The following is an entry in ClinVar:

NM_000057.4(BLM):c.1915C>G (p.Leu639Val)

Gene: BLM (BLM RecQ like helicase; plus strand). Cytogenetic location: 15q26.1.
Variant type: single nucleotide variant.
Coding change: c.1915C>G on transcript NM_000057.4 (MANE Select); coding-DNA position 1915, C replaced by G.
Protein change: p.Leu639Val; replaces leucine 639 with valine.
Molecular consequence: missense variant.
Genome position (GRCh38, 1-based): chr15:90,762,998, C>G. VCF-style: chr15-90762998-C-G. GRCh37 (hg19) VCF-style: chr15-91306228-C-G.
Other names: c.1915C>G, p.Leu639Val (NM_001287246.2, NM_001287247.2); c.790C>G, p.Leu264Val (NM_001287248.2); short protein forms L264V, L639V.
Identifiers: ClinVar variation 3480843 (VCV003480843.1).

ClinVar aggregate classification (germline): Uncertain significance (1 of 4 stars; one submission).

Conditions:
Hereditary cancer-predisposing syndrome. Also called: Tumor predisposition; Neoplastic Syndromes, Hereditary; Hereditary Cancer Syndrome; Hereditary neoplastic syndrome. Identifiers: Orphanet 140162, MedGen C0027672, MeSH D009386, MONDO:0015356.

Submission:

Ambry Genetics
Classification: Uncertain significance for Hereditary cancer-predisposing syndrome. Last evaluated: 2024-08-30. Review status: criteria provided, single submitter. Criteria: Ambry Variant Classification Scheme 2023. Collection method: clinical testing. Allele origin: germline.
Comment: The p.L639V variant (also known as c.1915C>G), located in coding exon 7 of the BLM gene, results from a C to G substitution at nucleotide position 1915. The leucine at codon 639 is replaced by valine, an amino acid with highly similar properties. This amino acid position is conserved. In addition, this alteration is predicted to be tolerated by in silico analysis. Based on the available evidence, the clinical significance of this variant remains unclear.